The following is an entry in ClinVar:

NM_152618.3(BBS12):c.1653T>G (p.His551Gln)

Gene: BBS12 (Bardet-Biedl syndrome 12; plus strand). Cytogenetic location: 4q27.
Variant type: single nucleotide variant.
Coding change: c.1653T>G on transcript NM_152618.3 (MANE Select); coding-DNA position 1653, T replaced by G.
Protein change: p.His551Gln; replaces histidine 551 with glutamine.
Molecular consequence: missense variant.
Genome position (GRCh38, 1-based): chr4:122,743,545, T>G. VCF-style: chr4-122743545-T-G. GRCh37 (hg19) VCF-style: chr4-123664700-T-G.
Other names: c.1653T>G, p.His551Gln (NM_001178007.2); short protein forms H551Q.
Identifiers: ClinVar variation 957731 (VCV000957731.5), dbSNP rs1800929267, ClinGen allele CA358225590.

ClinVar aggregate classification (germline): Uncertain significance. Review status: criteria provided, multiple submitters, no conflicts (2 of 4 stars). 2 submissions from 2 submitters: Uncertain significance (2). Last evaluated 2026-08-25.

Conditions:
BBS12-related disorder. Also called: BBS12-related condition.
Bardet-Biedl syndrome (BBS). Identifiers: Orphanet 110, MedGen C0752166, MONDO:0015229.

Allele frequency attached by ClinVar (database versions not stated): gnomAD exomes 0.00001.
gnomAD v4.1: 10 of 1,614,234 alleles (0.00062%); highest among the groups gnomAD compares: Non-Finnish European, 0.00085%; no homozygotes.

Submissions (2):

PreventionGenetics, part of Exact Sciences
Classification: Uncertain significance for BBS12-related condition. Last evaluated: 2026-08-25. Review status: criteria provided, single submitter. Criteria: ACMG Guidelines, 2015. Collection method: clinical testing. Allele origin: germline.
Comment: The BBS12 c.1653T>G variant is predicted to result in the amino acid substitution p.His551Gln. To our knowledge, this variant has not been reported in the literature or in a large population database (gnomAD), indicating this variant is rare. At this time, the clinical significance of this variant is uncertain due to the absence of conclusive functional and genetic evidence.

Labcorp Genetics (formerly Invitae), Labcorp
Classification: Uncertain significance for Bardet-Biedl syndrome. Last evaluated: 2021-08-24. Review status: criteria provided, single submitter. Criteria: Invitae Variant Classification Sherloc (09022015). Collection method: clinical testing. Allele origin: germline.
Comment: This sequence change replaces histidine with glutamine at codon 551 of the BBS12 protein (p.His551Gln). The histidine residue is weakly conserved and there is a small physicochemical difference between histidine and glutamine. This variant is not present in population databases (ExAC no frequency). This variant has not been reported in the literature in individuals affected with BBS12-related conditions. Algorithms developed to predict the effect of missense changes on protein structure and function output the following: SIFT: "Tolerated"; PolyPhen-2: "Benign"; Align-GVGD: "Class C0". The glutamine amino acid residue is found in multiple mammalian species, which suggests that this missense change does not adversely affect protein function. Algorithms developed to predict the effect of sequence changes on RNA splicing suggest that this variant may create or strengthen a splice site. In summary, the available evidence is currently insufficient to determine the role of this variant in disease. Therefore, it has been classified as a Variant of Uncertain Significance.